The following is an entry in ClinVar:

ClinVar aggregate classification (germline): Uncertain significance. Review status: criteria provided, multiple submitters, no conflicts (2 of 4 stars). 2 submissions from 2 submitters: Uncertain significance (2). Last evaluated 2025-01-19.

Allele frequency attached by ClinVar (database versions not stated): gnomAD exomes below 0.00001; gnomAD 0.00001.
gnomAD v4.1: 3 of 1,614,002 alleles (0.00019%); highest among the groups gnomAD compares: Non-Finnish European, 0.00017%; no homozygotes.

Submissions (2):

Labcorp Genetics (formerly Invitae), Labcorp
Classification: Uncertain significance. Last evaluated: 2025-01-19. Review status: criteria provided, single submitter. Criteria: Invitae Variant Classification Sherloc (09022015). Collection method: clinical testing. Allele origin: germline.
Comment: This sequence change replaces serine, which is neutral and polar, with proline, which is neutral and non-polar, at codon 1096 of the A2ML1 protein (p.Ser1096Pro). This variant is present in population databases (no rsID available, gnomAD 0.0009%). This variant has not been reported in the literature in individuals affected with A2ML1-related conditions. ClinVar contains an entry for this variant (Variation ID: 1729793). An algorithm developed to predict the effect of missense changes on protein structure and function (PolyPhen-2) suggests that this variant is likely to be tolerated. In summary, the available evidence is currently insufficient to determine the role of this variant in disease. Therefore, it has been classified as a Variant of Uncertain Significance.

Ambry Genetics
Classification: Uncertain significance. Last evaluated: 2024-10-07. Review status: criteria provided, single submitter. Criteria: Ambry Variant Classification Scheme 2023. Collection method: clinical testing. Allele origin: germline.
Comment: The p.S1096P variant (also known as c.3286T>C), located in coding exon 27 of the A2ML1 gene, results from a T to C substitution at nucleotide position 3286. The serine at codon 1096 is replaced by proline, an amino acid with similar properties. This amino acid position is conserved. In addition, this alteration is predicted to be tolerated by in silico analysis. Since supporting evidence is limited at this time, the clinical significance of this alteration remains unclear.

NM_144670.6(A2ML1):c.3286T>C (p.Ser1096Pro)

Gene: A2ML1 (alpha-2-macroglobulin like 1; plus strand). Cytogenetic location: 12p13.31.
Variant type: single nucleotide variant.
Coding change: c.3286T>C on transcript NM_144670.6 (MANE Select); coding-DNA position 3286, T replaced by C.
Protein change: p.Ser1096Pro; replaces serine 1096 with proline.
Molecular consequence: missense variant.
Genome position (GRCh38, 1-based): chr12:8,860,902, T>C. VCF-style: chr12-8860902-T-C. GRCh37 (hg19) VCF-style: chr12-9013498-T-C.
Other names: c.1813T>C, p.Ser605Pro (NM_001282424.3); short protein forms S605P, S1096P.
Identifiers: ClinVar variation 1729793 (VCV001729793.5), dbSNP rs1217219935, ClinGen allele CA383840158.